The following is an entry in ClinVar:

ClinVar aggregate classification (germline): Uncertain significance (1 of 4 stars; one submission).

Conditions:
Familial cold autoinflammatory syndrome 3 (FCAS3). Also called: ANTIBODY DEFICIENCY AND IMMUNE DYSREGULATION, PLCG2-ASSOCIATED; FAMILIAL ATYPICAL COLD URTICARIA. Identifiers: Orphanet 300359, MedGen C3280914, MONDO:0013766, OMIM 614468.

Submission:

Labcorp Genetics (formerly Invitae), Labcorp
Classification: Uncertain significance for Familial cold autoinflammatory syndrome 3. Last evaluated: 2023-12-09. Review status: criteria provided, single submitter. Criteria: Invitae Variant Classification Sherloc (09022015). Collection method: clinical testing. Allele origin: germline.
Comment: This sequence change replaces arginine, which is basic and polar, with serine, which is neutral and polar, at codon 1163 of the PLCG2 protein (p.Arg1163Ser). This variant is not present in population databases (gnomAD no frequency). This variant has not been reported in the literature in individuals affected with PLCG2-related conditions. An algorithm developed to predict the effect of missense changes on protein structure and function (PolyPhen-2) suggests that this variant is likely to be disruptive. In summary, the available evidence is currently insufficient to determine the role of this variant in disease. Therefore, it has been classified as a Variant of Uncertain Significance.

NM_002661.5(PLCG2):c.3489G>T (p.Arg1163Ser)

Gene: PLCG2 (phospholipase C gamma 2; plus strand). Cytogenetic location: 16q23.3.
Variant type: single nucleotide variant.
Coding change: c.3489G>T on transcript NM_002661.5 (MANE Select); coding-DNA position 3489, G replaced by T.
Protein change: p.Arg1163Ser; replaces arginine 1163 with serine.
Molecular consequence: missense variant.
Genome position (GRCh38, 1-based): chr16:81,946,182, G>T. VCF-style: chr16-81946182-G-T. GRCh37 (hg19) VCF-style: chr16-81979787-G-T.
Other names: c.3489G>T, p.Arg1163Ser (NM_001425749.1, NM_001425750.1, NM_001425751.1); short protein forms R1163S.
Identifiers: ClinVar variation 2701874 (VCV002701874.3), dbSNP rs2507788483, ClinGen allele CA396909610.